The following is an entry in ClinVar:

ClinVar aggregate classification (germline): Uncertain significance (1 of 4 stars; one submission).

gnomAD v4.1: 19 of 1,613,400 alleles (0.0012%); highest among the groups gnomAD compares: Non-Finnish European, 0.0016%; no homozygotes.

Submission:

Labcorp Genetics (formerly Invitae), Labcorp
Classification: Uncertain significance. Last evaluated: 2025-08-11. Review status: criteria provided, single submitter. Criteria: Invitae Variant Classification Sherloc (09022015). Collection method: clinical testing. Allele origin: germline.
Comment: This sequence change falls in intron 27 of the POLR3B gene. It does not directly change the encoded amino acid sequence of the POLR3B protein. This variant is present in population databases (rs368781406, gnomAD 0.003%). This variant has not been reported in the literature in individuals affected with POLR3B-related conditions. Algorithms developed to predict the effect of sequence changes on RNA splicing suggest that this variant may disrupt the consensus splice site. In summary, the available evidence is currently insufficient to determine the role of this variant in disease. Therefore, it has been classified as a Variant of Uncertain Significance.

NM_018082.6(POLR3B):c.3273-15T>A

Genes: POLR3B (RNA polymerase III subunit B; plus strand), RFX4-AS1 (RFX4 antisense RNA 1; minus strand). Cytogenetic location: 12q23.3.
Variant type: single nucleotide variant.
Coding change: c.3273-15T>A on transcript NM_018082.6 (MANE Select); 15 bases into the intron before coding-DNA position 3273, T replaced by A.
Molecular consequence: intron variant.
Genome position (GRCh38, 1-based): chr12:106,509,405, T>A. VCF-style: chr12-106509405-T-A. GRCh37 (hg19) VCF-style: chr12-106903183-T-A.
Other names: c.3099-15T>A (NM_001160708.2).
Identifiers: ClinVar variation 4695746 (VCV004695746.1).